The following is an entry in ClinVar:

ClinVar aggregate classification (germline): Uncertain significance (1 of 4 stars; one submission).

Conditions:
Hereditary cancer-predisposing syndrome. Also called: Hereditary neoplastic syndrome; Hereditary Cancer Syndrome; Neoplastic Syndromes, Hereditary; Tumor predisposition. Identifiers: Orphanet 140162, MedGen C0027672, MeSH D009386, MONDO:0015356.

Submission:

Ambry Genetics
Classification: Uncertain significance for Hereditary cancer-predisposing syndrome. Last evaluated: 2023-06-15. Review status: criteria provided, single submitter. Criteria: Ambry Variant Classification Scheme 2023. Collection method: clinical testing. Allele origin: germline.
Comment: The p.N768K variant (also known as c.2304T>G), located in coding exon 14 of the ATM gene, results from a T to G substitution at nucleotide position 2304. The asparagine at codon 768 is replaced by lysine, an amino acid with similar properties. This amino acid position is conserved. In addition, this alteration is predicted to be tolerated by in silico analysis. Since supporting evidence is limited at this time, the clinical significance of this alteration remains unclear.

NM_000051.4(ATM):c.2304T>G (p.Asn768Lys)

Gene: ATM (ATM serine/threonine kinase; plus strand). Cytogenetic location: 11q22.3.
Variant type: single nucleotide variant.
Coding change: c.2304T>G on transcript NM_000051.4 (MANE Select); coding-DNA position 2304, T replaced by G.
Protein change: p.Asn768Lys; replaces asparagine 768 with lysine.
Molecular consequence: missense variant.
Genome position (GRCh38, 1-based): chr11:108,257,534, T>G. VCF-style: chr11-108257534-T-G. GRCh37 (hg19) VCF-style: chr11-108128261-T-G.
Other names: c.2304T>G, p.Asn768Lys (NM_001351834.2); short protein forms N768K.
Identifiers: ClinVar variation 2568245 (VCV002568245.3), dbSNP rs2135406753, ClinGen allele CA382539831.